The following is an entry in ClinVar:

ClinVar aggregate classification (germline): Uncertain significance (1 of 4 stars; one submission).

Allele frequency attached by ClinVar (database versions not stated): gnomAD exomes below 0.00001; TOPMed below 0.00001.
gnomAD v4.1: 2 of 1,613,758 alleles (0.00012%); highest among the groups gnomAD compares: Non-Finnish European, 0.00017%; no homozygotes.

Submission:

Labcorp Genetics (formerly Invitae), Labcorp
Classification: Uncertain significance. Last evaluated: 2022-05-29. Review status: criteria provided, single submitter. Criteria: Invitae Variant Classification Sherloc (09022015). Collection method: clinical testing. Allele origin: germline.
Comment: This sequence change replaces glycine, which is neutral and non-polar, with aspartic acid, which is acidic and polar, at codon 843 of the ATP8A2 protein (p.Gly843Asp). This variant is present in population databases (no rsID available, gnomAD 0.003%). This variant has not been reported in the literature in individuals affected with ATP8A2-related conditions. Algorithms developed to predict the effect of missense changes on protein structure and function are either unavailable or do not agree on the potential impact of this missense change (SIFT: "Deleterious"; PolyPhen-2: "Probably Damaging"; Align-GVGD: "Class C0"). In summary, the available evidence is currently insufficient to determine the role of this variant in disease. Therefore, it has been classified as a Variant of Uncertain Significance.

NM_016529.6(ATP8A2):c.2528G>A (p.Gly843Asp)

Gene: ATP8A2 (ATPase phospholipid transporting 8A2). Cytogenetic location: 13q12.13.
Variant type: single nucleotide variant.
Coding change: c.2528G>A on transcript NM_016529.6 (MANE Select); coding-DNA position 2528, G replaced by A.
Protein change: p.Gly843Asp; replaces glycine 843 with aspartic acid.
Molecular consequence: missense variant.
Genome position (GRCh38, 1-based): chr13:25,769,189, G>A. VCF-style: chr13-25769189-G-A. GRCh37 (hg19) VCF-style: chr13-26343327-G-A.
Other names: c.2408G>A, p.Gly803Asp (NM_001313741.1); c.2528G>A, p.Gly843Asp (NM_001411005.1, NM_001411006.1); short protein forms G843D, G803D.
Identifiers: ClinVar variation 2000635 (VCV002000635.4), dbSNP rs1484880909, ClinGen allele CA387681315.